The following is an entry in ClinVar:

ClinVar aggregate classification (germline): Likely benign (1 of 4 stars; one submission).

Allele frequency attached by ClinVar (database versions not stated): 1000 Genomes Project 30x 0.00094; ESP Exome Variant Server 0.00500.
gnomAD v4.1: 9,305 of 1,613,638 alleles (0.58%); highest among the groups gnomAD compares: Non-Finnish European, 0.7%; 31 homozygotes.

Submission:

CeGaT Center for Human Genetics Tuebingen
Classification: Likely benign. Last evaluated: 2022-11-01. Review status: criteria provided, single submitter. Criteria: CeGaT Center For Human Genetics Tuebingen Variant Classification Criteria Version 2. Collection method: clinical testing. Allele origin: germline. Affected: yes. Observed: 1 variant allele.
Comment: NLRP4: BP4, BP7, BS2

NM_134444.5(NLRP4):c.2739C>G (p.Leu913=)

Gene: NLRP4 (NLR family pyrin domain containing 4; plus strand). Cytogenetic location: 19q13.43.
Variant type: single nucleotide variant.
Coding change: c.2739C>G on transcript NM_134444.5 (MANE Select); coding-DNA position 2739, C replaced by G.
Protein change: p.Leu913=; no amino-acid change (leucine 913 retained).
Molecular consequence: synonymous variant.
Genome position (GRCh38, 1-based): chr19:55,878,836, C>G. VCF-style: chr19-55878836-C-G. GRCh37 (hg19) VCF-style: chr19-56390202-C-G.
Identifiers: ClinVar variation 2650544 (VCV002650544.24), dbSNP rs139521551, ClinGen allele CA9683056.